The following is an entry in ClinVar:

NM_025099.6(CTC1):c.3012-3T>C

Gene: CTC1 (CST telomere replication complex component 1; minus strand). Cytogenetic location: 17p13.1.
Variant type: single nucleotide variant.
Coding change: c.3012-3T>C on transcript NM_025099.6 (MANE Select); 3 bases into the intron before coding-DNA position 3012, T replaced by C.
Molecular consequence: intron variant.
Genome position (GRCh38, 1-based): chr17:8,229,449, A>G on the plus strand (T>C on the coding strand, the complement: CTC1 is on the minus strand). VCF-style: chr17-8229449-A-G. GRCh37 (hg19) VCF-style: chr17-8132767-A-G.
Other names: c.3012-3T>C (NM_001411067.1).
Identifiers: ClinVar variation 2629702 (VCV002629702.4), dbSNP rs775699421, ClinGen allele CA2246186902.

ClinVar aggregate classification (germline): Uncertain significance. Review status: criteria provided, multiple submitters, no conflicts (2 of 4 stars). 2 submissions from 2 submitters: Uncertain significance (2). Last evaluated 2024-05-07.

Conditions:
CTC1-related disorder. Also called: CTC1-related condition.
Dyskeratosis congenita. Identifiers: Orphanet 1775, MedGen C0265965, MONDO:0015780.

Allele frequency attached by ClinVar (database versions not stated): gnomAD exomes below 0.00001.

Submissions (2):

Labcorp Genetics (formerly Invitae), Labcorp
Classification: Uncertain significance for Dyskeratosis congenita. Last evaluated: 2024-05-07. Review status: criteria provided, single submitter. Criteria: Invitae Variant Classification Sherloc (09022015). Collection method: clinical testing. Allele origin: germline.
Comment: This sequence change falls in intron 18 of the CTC1 gene. It does not directly change the encoded amino acid sequence of the CTC1 protein. It affects a nucleotide within the consensus splice site. This variant is not present in population databases (gnomAD no frequency). This variant has not been reported in the literature in individuals affected with CTC1-related conditions. ClinVar contains an entry for this variant (Variation ID: 2629702). Variants that disrupt the consensus splice site are a relatively common cause of aberrant splicing (PMID: 17576681, 9536098). Algorithms developed to predict the effect of sequence changes on RNA splicing suggest that this variant is not likely to affect RNA splicing. In summary, the available evidence is currently insufficient to determine the role of this variant in disease. Therefore, it has been classified as a Variant of Uncertain Significance.

PreventionGenetics, part of Exact Sciences
Classification: Uncertain significance for CTC1-related condition. Last evaluated: 2023-09-12. Review status: criteria provided, single submitter. Criteria: ACMG Guidelines, 2015. Collection method: clinical testing. Allele origin: germline.
Comment: The CTC1 c.3012-3T>C variant is predicted to interfere with splicing. To our knowledge, this variant has not been reported in the literature or in a large population database, indicating this variant is rare. At this time, the clinical significance of this variant is uncertain due to the absence of conclusive functional and genetic evidence.

Literature cited by the submitters: PubMed 17576681 (cited by Labcorp Genetics (formerly Invitae), Labcorp); PubMed 9536098 (cited by Labcorp Genetics (formerly Invitae), Labcorp).